The following is an entry in ClinVar:

ClinVar aggregate classification (germline): Pathogenic (1 of 4 stars; one submission).

Conditions:
CEP290-related ciliopathy. Also called: CEP290 ciliopathy. Identifiers: MedGen CN305601, MONDO:0100451.

Submission:

Myriad Genetics, Inc.
Classification: Pathogenic for CEP290-related ciliopathy. Last evaluated: 2026-01-19. Review status: criteria provided, single submitter. Criteria: Myriad Autosomal Dominant, Autosomal Recessive and X-Linked Classification Criteria (2023). Collection method: clinical testing. Allele origin: unknown.
Comment: NM_025114.3(CEP290):c.3423dupA(E1142Rfs*4) is expected to be pathogenic in the context of CEP290-related disorders. This variant is predicted to lead to an abnormal or absent protein product due to the creation of a premature termination codon in CEP290, a gene where loss-of-function variants are known to be pathogenic. Please note: this variant was assessed in the context of healthy population screening.

NM_025114.4(CEP290):c.3423dup (p.Glu1142fs)

Gene: CEP290 (centrosomal protein 290; minus strand). Cytogenetic location: 12q21.32.
Variant type: Duplication.
Coding change: c.3423dup on transcript NM_025114.4 (MANE Select); coding-DNA position 3423, one base duplicated (A; older notation c.3423dupA).
Protein change: p.Glu1142fs; shifts the reading frame from glutamic acid 1142.
Molecular consequence: frameshift variant.
Genome position (GRCh38, 1-based): chr12:88,092,719, T duplicated on the plus strand (A on the coding strand, the reverse complement: CEP290 is on the minus strand). VCF-style (leftmost placement, unchanged base first): chr12-88092718-C-CT. GRCh37 (hg19) VCF-style: chr12-88486495-C-CT.
Other names: short protein forms E1142fs.
Identifiers: ClinVar variation 5015443 (VCV005015443.1).
Genomic context (GRCh38, chr12:88,092,718, plus strand): 5'-CTAAAATGCTTATATGCACTTACTTTGACACTTCAACTTTTAGTTCCATTTCATTCTTCT[C>CT]TAATTCTAGAATCCGTTGCCTATCAGCATCACTTACTGCCTTGCTCACACTATCAGCTAA-3'